The following is an entry in ClinVar:

NM_004655.4(AXIN2):c.9C>G (p.Ser3Arg)

Gene: AXIN2 (axin 2; minus strand). Cytogenetic location: 17q24.1.
Variant type: single nucleotide variant.
Coding change: c.9C>G on transcript NM_004655.4 (MANE Select); coding-DNA position 9, C replaced by G.
Protein change: p.Ser3Arg; replaces serine 3 with arginine.
Molecular consequence: missense variant.
Genome position (GRCh38, 1-based): chr17:65,558,612, G>C on the plus strand (C>G on the coding strand, the complement: AXIN2 is on the minus strand). VCF-style: chr17-65558612-G-C. GRCh37 (hg19) VCF-style: chr17-63554730-G-C.
Other names: c.9C>G, p.Ser3Arg (NM_001363813.1); short protein forms S3R.
Identifiers: ClinVar variation 1036039 (VCV001036039.11), dbSNP rs553412612, ClinGen allele CA8719115.
Genomic context (GRCh38, chr17:65,558,612, plus strand): 5'-CCGCGGGGCATCCTCACGGAAGCTGCTGCTGGGGTCCGGGAGGCAAGTCACCAACATAGC[G>C]CTACTCATGGTGAGGGAGCTCTTCCCACTGAGTCTGGGAATTTTTCTTCTTCCAGTTCCT-3'
Protein context (NP_004646.3, residues 1-13): MS[Ser3Arg]AMLVTCLPDP

ClinVar aggregate classification (germline): Uncertain significance. Review status: criteria provided, multiple submitters, no conflicts (2 of 4 stars). 4 submissions from 4 submitters: Uncertain significance (4). Last evaluated 2026-01-20.

Conditions:
Colorectal cancer. Also called: Malignant Colorectal Neoplasm; Colorectal cancer, somatic. Identifiers: MedGen C0346629, MONDO:0005575, OMIM 114500.
Hereditary cancer-predisposing syndrome. Also called: Neoplastic Syndromes, Hereditary; Hereditary Cancer Syndrome; Tumor predisposition; Hereditary neoplastic syndrome. Identifiers: Orphanet 140162, MedGen C0027672, MeSH D009386, MONDO:0015356.
Oligodontia-cancer predisposition syndrome. Also called: TOOTH AGENESIS-COLORECTAL CANCER SYNDROME. Identifiers: Orphanet 300576, MedGen C1837750, MONDO:0012075, OMIM 608615. Disease mechanism: loss of function.

Allele frequency attached by ClinVar (database versions not stated): ExAC 0.00001; gnomAD 0.00001; 1000 Genomes Project 30x 0.00016; 1000 Genomes Project 0.00020.
gnomAD v4.1: 3 of 1,606,582 alleles (0.00019%); highest among the groups gnomAD compares: Admixed American, 0.0033%; no homozygotes.

Submissions (4):

Labcorp Genetics (formerly Invitae), Labcorp
Classification: Uncertain significance for Oligodontia-cancer predisposition syndrome. Last evaluated: 2026-01-20. Review status: criteria provided, single submitter. Criteria: Invitae Variant Classification Sherloc (09022015). Collection method: clinical testing. Allele origin: germline.
Comment: This sequence change replaces serine, which is neutral and polar, with arginine, which is basic and polar, at codon 3 of the AXIN2 protein (p.Ser3Arg). This variant is present in population databases (rs553412612, gnomAD 0.006%). This variant has not been reported in the literature in individuals affected with AXIN2-related conditions. ClinVar contains an entry for this variant (Variation ID: 1036039). An algorithm developed to predict the effect of missense changes on protein structure and function (PolyPhen-2) suggests that this variant is likely to be disruptive. In summary, the available evidence is currently insufficient to determine the role of this variant in disease. Therefore, it has been classified as a Variant of Uncertain Significance.

Ambry Genetics
Classification: Uncertain significance for Hereditary cancer-predisposing syndrome. Last evaluated: 2024-12-08. Review status: criteria provided, single submitter. Criteria: Ambry Variant Classification Scheme 2023. Collection method: clinical testing. Allele origin: germline.
Comment: The p.S3R variant (also known as c.9C>G), located in coding exon 1 of the AXIN2 gene, results from a C to G substitution at nucleotide position 9. The serine at codon 3 is replaced by arginine, an amino acid with dissimilar properties. This amino acid position is conserved. In addition, this alteration is predicted to be tolerated by in silico analysis. Since supporting evidence is limited at this time, the clinical significance of this alteration remains unclear.

Baylor Genetics
Classification: Uncertain significance for Colorectal cancer. Last evaluated: 2024-02-07. Review status: criteria provided, single submitter. Criteria: ACMG Guidelines, 2015. Collection method: clinical testing. Allele origin: unknown.

Sema4
Classification: Uncertain significance for Hereditary cancer-predisposing syndrome. Last evaluated: 2022-01-14. Review status: criteria provided, single submitter. Criteria: Sema4 Curation Guidelines. Collection method: curation. Allele origin: germline.
Comment: The AXIN2 c.9C>G (p.S3R) variant has not been reported in the literature to our knowledge. It was observed in 2/34478 chromosomes of the Latino subpopulation in the large and broad cohorts of the Genome Aggregation Database (PMID: 32461654). This variant has been reported in ClinVar (Variation ID: 1036039). Functional studies have not been performed, and in silico predictions of the variant's effect on protein function are inconclusive. The evidence is insufficient to meet ACMG/AMP criteria for classifying the variant as benign or pathogenic. Thus, the clinical significance of this variant is currently uncertain.